The following is an entry in ClinVar:

NM_001004334.4(GPR179):c.247C>T (p.Arg83Cys)

Gene: GPR179 (G protein-coupled receptor 179; minus strand). Cytogenetic location: 17q12.
Variant type: single nucleotide variant.
Coding change: c.247C>T on transcript NM_001004334.4 (MANE Select); coding-DNA position 247, C replaced by T.
Protein change: p.Arg83Cys; replaces arginine 83 with cysteine.
Molecular consequence: missense variant.
Genome position (GRCh38, 1-based): chr17:38,343,543, G>A on the plus strand (C>T on the coding strand, the complement: GPR179 is on the minus strand). VCF-style: chr17-38343543-G-A. GRCh37 (hg19) VCF-style: chr17-36499426-G-A.
Other names: short protein forms R83C.
Identifiers: ClinVar variation 1024701 (VCV001024701.8), dbSNP rs375491523, ClinGen allele CA290111827.

ClinVar aggregate classification (germline): Uncertain significance (1 of 4 stars; one submission).

Allele frequency attached by ClinVar (database versions not stated): ExAC 0.00001; TOPMed 0.00001; ESP Exome Variant Server 0.00008.

Submission:

Labcorp Genetics (formerly Invitae), Labcorp
Classification: Uncertain significance. Last evaluated: 2022-07-19. Review status: criteria provided, single submitter. Criteria: Invitae Variant Classification Sherloc (09022015). Collection method: clinical testing. Allele origin: germline.
Comment: In summary, the available evidence is currently insufficient to determine the role of this variant in disease. Therefore, it has been classified as a Variant of Uncertain Significance. Algorithms developed to predict the effect of missense changes on protein structure and function are either unavailable or do not agree on the potential impact of this missense change (SIFT: "Tolerated"; PolyPhen-2: "Possibly Damaging"; Align-GVGD: "Class C15"). ClinVar contains an entry for this variant (Variation ID: 1024701). This variant has not been reported in the literature in individuals affected with GPR179-related conditions. This variant is present in population databases (rs375491523, gnomAD 0.007%). This sequence change replaces arginine, which is basic and polar, with cysteine, which is neutral and slightly polar, at codon 83 of the GPR179 protein (p.Arg83Cys).